The following is an entry in ClinVar:

ClinVar aggregate classification (germline): Pathogenic (1 of 4 stars; one submission).

Conditions:
Neurofibromatosis, type 1 (NF1). Also called: Neurofibromatosis, type I; VON RECKLINGHAUSEN DISEASE; NEUROFIBROMATOSIS, TYPE I, SOMATIC; Peripheral type neurofibromatosis. Identifiers: Orphanet 636, MedGen C0027831, MONDO:0018975, OMIM 162200. Disease mechanism: loss of function.

Submission:

Juno Genomics, Hangzhou Juno Genomics, Inc
Classification: Pathogenic for Neurofibromatosis, type 1. Review status: criteria provided, single submitter. Criteria: ACMG Guidelines, 2015. Collection method: clinical testing. Allele origin: germline. Affected: yes.
Comment: Absent from controls (or at extremely low frequency if recessive) in Genome Aggregation Database, Exome Sequencing Project, 1000 Genomes Project, or Exome Aggregation Consortium.;Null variant in a gene where loss of function (LOF) is a known mechanism of disease.;Patient's phenotype or family history is highly specific for a disease with a single genetic etiology.;Assumed de novo, but without confirmation of paternity and maternity.

NM_001042492.3(NF1):c.5048del (p.Asn1683fs)

Gene: NF1 (neurofibromin 1; plus strand). Cytogenetic location: 17q11.2.
Variant type: Deletion.
Coding change: c.5048del on transcript NM_001042492.3 (MANE Select); coding-DNA position 5048, one base deleted (A; older notation c.5048delA).
Protein change: p.Asn1683fs; shifts the reading frame from asparagine 1683.
Molecular consequence: frameshift variant.
Genome position (GRCh38, 1-based): chr17:31,326,032, A deleted; the last of 2 consecutive A bases (chr17:31,326,031-31,326,032); deleting either gives the same sequence. VCF-style (leftmost placement, unchanged base first): chr17-31326030-TA-T. GRCh37 (hg19) VCF-style: chr17-29653048-TA-T.
Other names: c.4985delA, p.Asn1662Thrfs (NM_000267.4); short protein forms N1662fs, N1683fs.
Identifiers: ClinVar variation 3381919 (VCV003381919.2).